The following is an entry in ClinVar:

ClinVar aggregate classification (germline): Uncertain significance (1 of 4 stars; one submission).

Submission:

Women's Health and Genetics/Laboratory Corporation of America, LabCorp
Classification: Uncertain significance. Last evaluated: 2025-11-03. Review status: criteria provided, single submitter. Criteria: LabCorp Variant Classification Summary - May 2015. Collection method: clinical testing. Allele origin: germline.
Comment: Variant summary: SLC12A1 c.3262A>T (p.Arg1088X) results in a premature termination codon in the last exon, predicted to cause a truncation of the encoded protein without leading to nonsense mediated decay. The frequency data for this variant in gnomAD is considered unreliable, as metrics indicate poor data quality at this position. To our knowledge, no occurrence of c.3262A>T in individuals affected with SLC12A1-related conditions and no experimental evidence demonstrating its impact on protein function have been reported. No submitters have cited clinical-significance assessments for this variant to ClinVar. Based on the evidence outlined above, the variant was classified as uncertain significance.

NM_000338.3(SLC12A1):c.3262A>T (p.Arg1088Ter)

Gene: SLC12A1 (solute carrier family 12 member 1; plus strand). Cytogenetic location: 15q21.1.
Variant type: single nucleotide variant.
Coding change: c.3262A>T on transcript NM_000338.3 (MANE Select); coding-DNA position 3262, A replaced by T.
Protein change: p.Arg1088Ter; replaces arginine 1088 with a stop codon.
Molecular consequence: nonsense.
Genome position (GRCh38, 1-based): chr15:48,302,847, A>T. VCF-style: chr15-48302847-A-T. GRCh37 (hg19) VCF-style: chr15-48595044-A-T.
Other names: c.3262A>T, p.Arg1088Ter (NM_001184832.2, NM_001384136.1); short protein forms R1088*.
Identifiers: ClinVar variation 4537117 (VCV004537117.1).
Genomic context (GRCh38, chr15:48,302,847, plus strand): 5'-TTGTTGTATATGGCTTGGTTGGAAATCCTCACAAAGAACCTCCCACCTGTCTTACTAGTT[A>T]GAGGAAATCACAAAAATGTCTTGACATTTTACTCTTAAAACATGAAAGATTGGAATACAT-3'